The following is an entry in ClinVar:

NM_001136219.3(FCGR2A):c.839A>C (p.Asp280Ala)

Gene: FCGR2A (Fc gamma receptor IIa; plus strand). Cytogenetic location: 1q23.3.
Variant type: single nucleotide variant.
Coding change: c.839A>C on transcript NM_001136219.3 (MANE Select); coding-DNA position 839, A replaced by C.
Protein change: p.Asp280Ala; replaces aspartic acid 280 with alanine.
Molecular consequence: missense variant.
Genome position (GRCh38, 1-based): chr1:161,518,033, A>C. VCF-style: chr1-161518033-A-C. GRCh37 (hg19) VCF-style: chr1-161487823-A-C.
Other names: c.716A>C, p.Asp239Ala (NM_001375296.1); c.713A>C, p.Asp238Ala (NM_001375297.1); c.836A>C, p.Asp279Ala (NM_021642.5); short protein forms D238A, D239A, D279A, D280A.
Identifiers: ClinVar variation 3904977 (VCV003904977.10).

ClinVar aggregate classification (germline): Likely benign (1 of 4 stars; one submission).

gnomAD v4.1: 3,426 of 1,613,806 alleles (0.21%); highest among the groups gnomAD compares: Non-Finnish European, 0.26%; 19 homozygotes.

Submission:

CeGaT Center for Human Genetics Tuebingen
Classification: Likely benign. Last evaluated: 2026-08-01. Review status: criteria provided, single submitter. Criteria: CeGaT Center For Human Genetics Tuebingen Variant Classification Criteria Version 2. Collection method: clinical testing. Allele origin: germline. Affected: yes. Observed: 3 variant alleles.
Comment: FCGR2A: BP4, BS2